The following is an entry in ClinVar:

NM_032776.3(JMJD1C):c.2158A>G (p.Ile720Val)

Gene: JMJD1C (jumonji domain containing 1C; minus strand). Cytogenetic location: 10q21.3.
Variant type: single nucleotide variant.
Coding change: c.2158A>G on transcript NM_032776.3 (MANE Select); coding-DNA position 2158, A replaced by G.
Protein change: p.Ile720Val; replaces isoleucine 720 with valine.
Molecular consequence: missense variant. On other transcripts: non-coding transcript variant (1).
Genome position (GRCh38, 1-based): chr10:63,214,009, T>C on the plus strand (A>G on the coding strand, the complement: JMJD1C is on the minus strand). VCF-style: chr10-63214009-T-C. GRCh37 (hg19) VCF-style: chr10-64973769-T-C.
Other names: c.1612A>G, p.Ile538Val (NM_001282948.2, NM_001318154.2); c.1294A>G, p.Ile432Val (NM_001318153.2); c.2044A>G, p.Ile682Val (NM_001322252.2); c.1501A>G, p.Ile501Val (NM_001322254.2, NM_001322258.2); short protein forms I538V, I432V, I682V, I720V, I501V.
Identifiers: ClinVar variation 940289 (VCV000940289.9), dbSNP rs368602753, ClinGen allele CA5518677.
Genomic context (GRCh38, chr10:63,214,009, plus strand): 5'-GAGGAAAAGGATGCTGGCTTAGGAAAGGTGAAATATGATTAGCTCCTGTTTCTGACCCAA[T>C]AAGTGCAGGATCTCTGTAAACTGTAAAATGCTCATTTTTATCAATGATAAGAGGACTCTT-3'
Protein context (NP_116165.1, residues 710-730): HFTVYRDPAL[Ile720Val]GSETGANHIS

ClinVar aggregate classification (germline): Uncertain significance (1 of 4 stars; one submission).

Conditions:
Early Myoclonic Encephalopathy. Identifiers: MedGen C0270855.

Allele frequency attached by ClinVar (database versions not stated): TOPMed below 0.00001; gnomAD exomes 0.00003; ExAC 0.00003.
gnomAD v4.1: 16 of 1,614,200 alleles (0.00099%); highest among the groups gnomAD compares: East Asian, 0.018%; no homozygotes.

Submission:

Labcorp Genetics (formerly Invitae), Labcorp
Classification: Uncertain significance for Early Myoclonic Encephalopathy. Last evaluated: 2025-03-17. Review status: criteria provided, single submitter. Criteria: Invitae Variant Classification Sherloc (09022015). Collection method: clinical testing. Allele origin: germline.
Comment: This sequence change replaces isoleucine, which is neutral and non-polar, with valine, which is neutral and non-polar, at codon 720 of the JMJD1C protein (p.Ile720Val). This variant is present in population databases (rs368602753, gnomAD 0.03%). This variant has not been reported in the literature in individuals affected with JMJD1C-related conditions. ClinVar contains an entry for this variant (Variation ID: 940289). Invitae Evidence Modeling of protein sequence and biophysical properties (such as structural, functional, and spatial information, amino acid conservation, physicochemical variation, residue mobility, and thermodynamic stability) indicates that this missense variant is not expected to disrupt JMJD1C protein function with a negative predictive value of 80%. In summary, the available evidence is currently insufficient to determine the role of this variant in disease. Therefore, it has been classified as a Variant of Uncertain Significance.